The following is an entry in ClinVar:

ClinVar aggregate classification (germline): Uncertain significance. Review status: criteria provided, multiple submitters, no conflicts (2 of 4 stars). 2 submissions from 2 submitters: Uncertain significance (2). Last evaluated 2026-03-27.

Conditions:
Hereditary cancer-predisposing syndrome. Also called: Neoplastic Syndromes, Hereditary; Tumor predisposition; Hereditary Cancer Syndrome; Hereditary neoplastic syndrome. Identifiers: Orphanet 140162, MedGen C0027672, MeSH D009386, MONDO:0015356.

gnomAD v4.1: 3 of 1,614,146 alleles (0.00019%); highest among the groups gnomAD compares: South Asian, 0.0033%; no homozygotes.

Submissions (2):

Ambry Genetics
Classification: Uncertain significance for Hereditary cancer-predisposing syndrome. Last evaluated: 2026-03-27. Review status: criteria provided, single submitter. Criteria: Ambry Variant Classification Scheme 2023. Collection method: clinical testing. Allele origin: germline.
Comment: The p.L565V variant (also known as c.1693C>G), located in coding exon 4 of the MSH6 gene, results from a C to G substitution at nucleotide position 1693. The leucine at codon 565 is replaced by valine, an amino acid with highly similar properties. This amino acid position is conserved. In addition, this alteration is predicted to be tolerated by in silico analysis. Based on the available evidence, the clinical significance of this variant remains unclear.

Molecular Diagnostics Laboratory, Catalan Institute of Oncology
Classification: Uncertain significance for Hereditary cancer-predisposing syndrome. Last evaluated: 2025-05-05. Review status: criteria provided, single submitter. Criteria: ClinGen CRC ACMG Specifications MSH6 V1.0.0. Collection method: clinical testing. Allele origin: germline.
Comment: PM2_supporting, BP4 c.1693C>G, located in exon 4 of the MSH6 gene, is predicted to result in the substitution of Leucine by Valine at codon 565, p.(Leu565Val). This variant is found in 3/1614146 alleles at a frequency of 0.00018% in the gnomAD v4.1.0 database (PM2_supporting). Computational tools for this variant suggests no significant impact on splicing and does not affect the protein function (MAPP+PolyPhen-2 prior probability for pathogenicity: 0.0009) (BP4). To our knowledge, neither relevant clinical data nor well-stablished functional studies have been reported for this variant. It has only been reported once in ClinVar, as an uncertain significance variant. Based on the currently available information, c.1693C>G is classified as an uncertain significance variant according to ClinGen-MSH6 Guidelines version 1.1.

NM_000179.3(MSH6):c.1693C>G (p.Leu565Val)

Gene: MSH6 (mutS homolog 6; plus strand). Cytogenetic location: 2p16.3.
Variant type: single nucleotide variant.
Coding change: c.1693C>G on transcript NM_000179.3 (MANE Select); coding-DNA position 1693, C replaced by G.
Protein change: p.Leu565Val; replaces leucine 565 with valine.
Molecular consequence: missense variant. On other transcripts: non-coding transcript variant (4), intron variant (2).
Genome position (GRCh38, 1-based): chr2:47,799,676, C>G. VCF-style: chr2-47799676-C-G. GRCh37 (hg19) VCF-style: chr2-48026815-C-G.
Other names: c.1303C>G, p.Leu435Val (NM_001281492.2); c.787C>G, p.Leu263Val (NM_001281493.2, NM_001281494.2, NM_001406816.1 and 6 more transcripts); c.1789C>G, p.Leu597Val (NM_001406795.1, NM_001406802.1); c.1693C>G, p.Leu565Val (NM_001406796.1, NM_001406798.1, NM_001406800.1 and 3 more transcripts); c.1396C>G, p.Leu466Val (NM_001406797.1, NM_001406801.1, NM_001406818.1 and 10 more transcripts); c.1168C>G, p.Leu390Val (NM_001406799.1, NM_001406806.1, NM_001406807.1); c.1615C>G, p.Leu539Val (NM_001406804.1); c.1699C>G, p.Leu567Val (NM_001406813.1); and 3 more; short protein forms L390V, L435V, L539V, L565V, L597V, L509V, L263V, L466V.
Identifiers: ClinVar variation 2544311 (VCV002544311.4), dbSNP rs1168297520, ClinGen allele CA346747530.